The following is an entry in ClinVar:

ClinVar aggregate classification (germline): Uncertain significance (1 of 4 stars; one submission).

Allele frequency attached by ClinVar (database versions not stated): ExAC 0.00001; gnomAD exomes 0.00001; gnomAD 0.00002; TOPMed 0.00002; ESP Exome Variant Server 0.00008.
gnomAD v4.1: 15 of 1,613,418 alleles (0.00093%); highest among the groups gnomAD compares: African/African-American, 0.0013%; no homozygotes.

Submission:

Labcorp Genetics (formerly Invitae), Labcorp
Classification: Uncertain significance. Last evaluated: 2025-10-22. Review status: criteria provided, single submitter. Criteria: Invitae Variant Classification Sherloc (09022015). Collection method: clinical testing. Allele origin: germline.
Comment: This sequence change replaces valine, which is neutral and non-polar, with isoleucine, which is neutral and non-polar, at codon 1740 of the VCAN protein (p.Val1740Ile). This variant is present in population databases (rs367868306, gnomAD 0.007%). This variant has not been reported in the literature in individuals affected with VCAN-related conditions. ClinVar contains an entry for this variant (Variation ID: 1059959). An algorithm developed to predict the effect of missense changes on protein structure and function (PolyPhen-2) suggests that this variant is likely to be tolerated. In summary, the available evidence is currently insufficient to determine the role of this variant in disease. Therefore, it has been classified as a Variant of Uncertain Significance.

NM_004385.5(VCAN):c.5218G>A (p.Val1740Ile)

Genes: VCAN (versican; plus strand), VCAN-AS1 (VCAN antisense RNA 1; minus strand). Cytogenetic location: 5q14.3.
Variant type: single nucleotide variant.
Coding change: c.5218G>A on transcript NM_004385.5 (MANE Select); coding-DNA position 5218, G replaced by A.
Protein change: p.Val1740Ile; replaces valine 1740 with isoleucine.
Molecular consequence: missense variant. On other transcripts: intron variant (2).
Genome position (GRCh38, 1-based): chr5:83,538,221, G>A. VCF-style: chr5-83538221-G-A. GRCh37 (hg19) VCF-style: chr5-82834040-G-A.
Other names: c.2257G>A, p.Val753Ile (NM_001164097.2); c.4004-7316G>A (NM_001164098.2); c.1043-7316G>A (NM_001126336.3); short protein forms V1740I, V753I.
Identifiers: ClinVar variation 1059959 (VCV001059959.9), dbSNP rs367868306, ClinGen allele CA3333299.